The following is an entry in ClinVar:

ClinVar aggregate classification (germline): Uncertain significance (1 of 4 stars; one submission).

Allele frequency attached by ClinVar (database versions not stated): gnomAD exomes below 0.00001; TOPMed 0.00001.

Submission:

Labcorp Genetics (formerly Invitae), Labcorp
Classification: Uncertain significance. Last evaluated: 2022-11-05. Review status: criteria provided, single submitter. Criteria: Invitae Variant Classification Sherloc (09022015). Collection method: clinical testing. Allele origin: germline.
Comment: In summary, the available evidence is currently insufficient to determine the role of this variant in disease. Therefore, it has been classified as a Variant of Uncertain Significance. This variant has not been reported in the literature in individuals affected with CDC6-related conditions. This variant is present in population databases (no rsID available, gnomAD 0.003%). This sequence change creates a premature translational stop signal (p.Met271Asnfs*31) in the CDC6 gene. It is expected to result in an absent or disrupted protein product. However, the current clinical and genetic evidence is not sufficient to establish whether loss-of-function variants in CDC6 cause disease.

NM_001254.4(CDC6):c.812_813del (p.Met271fs)

Gene: CDC6 (cell division cycle 6; plus strand). Cytogenetic location: 17q21.2.
Variant type: Deletion.
Coding change: c.812_813del on transcript NM_001254.4 (MANE Select); coding-DNA positions 812 to 813, 2 bases deleted (TG; older notation c.812_813delTG).
Protein change: p.Met271fs; shifts the reading frame from methionine 271.
Molecular consequence: frameshift variant.
Genome position (GRCh38, 1-based): chr17:40,293,607-40,293,608, TG deleted. VCF-style (leftmost placement, unchanged base first): chr17-40293606-ATG-A. GRCh37 (hg19) VCF-style: chr17-38449858-ATG-A.
Other names: short protein forms M271fs.
Identifiers: ClinVar variation 2956033 (VCV002956033.3), dbSNP rs1374801496, ClinGen allele CA626211184.